The following is an entry in ClinVar:

ClinVar aggregate classification (germline): Likely benign (1 of 4 stars; one submission).

Conditions:
Familial cancer of breast. Also called: hereditary breast carcinoma; Hereditary breast cancer; BREAST CANCER, FAMILIAL. Identifiers: Orphanet 227535, MedGen C0346153, MONDO:0016419, OMIM 114480. Disease mechanism: loss of function.

Submission:

MGZ Medical Genetics Center
Classification: Likely benign for Familial cancer of breast. Last evaluated: 2024-02-09. Review status: criteria provided, single submitter. Criteria: CSpec BRCA1/2ACMG Rules Specifications V1.1.0. Collection method: clinical testing. Allele origin: germline. Affected: yes.
Comment: ACMG codes applied following ENIGMA VCEP rules: BP1_STR, PM2_SUP

NM_000059.4(BRCA2):c.9749C>T (p.Ser3250Leu)

Gene: BRCA2 (BRCA2 DNA repair associated; plus strand). Cytogenetic location: 13q13.1.
Variant type: single nucleotide variant.
Coding change: c.9749C>T on transcript NM_000059.4 (MANE Select); coding-DNA position 9749, C replaced by T.
Protein change: p.Ser3250Leu; replaces serine 3250 with leucine.
Molecular consequence: missense variant.
Genome position (GRCh38, 1-based): chr13:32,398,262, C>T. VCF-style: chr13-32398262-C-T. GRCh37 (hg19) VCF-style: chr13-32972399-C-T.
Other names: c.9653C>T, p.Ser3218Leu (NM_001406719.1); c.9698C>T, p.Ser3233Leu (NM_001406720.1); c.4817C>T, p.Ser1606Leu (NM_001406721.1); c.3332C>T, p.Ser1111Leu (NM_001406722.1); short protein forms S1111L, S1606L, S3218L, S3233L, S3250L.
Identifiers: ClinVar variation 1708988 (VCV001708988.2), dbSNP rs2137663473, ClinGen allele CA387765671.